The following is an entry in ClinVar:

NM_022482.5(GZF1):c.941A>G (p.Lys314Arg)

Gene: GZF1 (GDNF inducible zinc finger protein 1; plus strand). Cytogenetic location: 20p11.21.
Variant type: single nucleotide variant.
Coding change: c.941A>G on transcript NM_022482.5 (MANE Select); coding-DNA position 941, A replaced by G.
Protein change: p.Lys314Arg; replaces lysine 314 with arginine.
Molecular consequence: missense variant.
Genome position (GRCh38, 1-based): chr20:23,365,324, A>G. VCF-style: chr20-23365324-A-G. GRCh37 (hg19) VCF-style: chr20-23345961-A-G.
Other names: c.941A>G, p.Lys314Arg (NM_001317012.2, NM_001317019.1); short protein forms K314R.
Identifiers: ClinVar variation 3384461 (VCV003384461.1).

ClinVar aggregate classification (germline): Uncertain significance (1 of 4 stars; one submission).

Submission:

GeneDx
Classification: Uncertain significance. Last evaluated: 2024-05-30. Review status: criteria provided, single submitter. Criteria: GeneDx Variant Classification Process June 2021. Collection method: clinical testing. Allele origin: germline. Affected: yes.
Comment: In silico analysis indicates that this missense variant does not alter protein structure/function; Has not been previously published as pathogenic or benign to our knowledge